The following is an entry in ClinVar:

ClinVar aggregate classification (germline): Uncertain significance (1 of 4 stars; one submission).

Conditions:
FLNA-related disorder.

Submission:

PreventionGenetics, part of Exact Sciences
Classification: Uncertain significance for FLNA-related condition. Last evaluated: 2023-08-21. Review status: criteria provided, single submitter. Criteria: ACMG Guidelines, 2015. Collection method: clinical testing. Allele origin: germline.
Comment: The FLNA c.2466C>G variant is predicted to result in the amino acid substitution p.Ile822Met. To our knowledge, this variant has not been reported in the literature or in a large population database, indicating this variant is rare. At this time, the clinical significance of this variant is uncertain due to the absence of conclusive functional and genetic evidence.

NM_001110556.2(FLNA):c.2466C>G (p.Ile822Met)

Gene: FLNA (filamin A; minus strand). Cytogenetic location: Xq28.
Variant type: single nucleotide variant.
Coding change: c.2466C>G on transcript NM_001110556.2 (MANE Select); coding-DNA position 2466, C replaced by G.
Protein change: p.Ile822Met; replaces isoleucine 822 with methionine.
Molecular consequence: missense variant.
Genome position (GRCh38, 1-based): chrX:154,362,517, G>C on the plus strand (C>G on the coding strand, the complement: FLNA is on the minus strand). VCF-style: chrX-154362517-G-C. GRCh37 (hg19) VCF-style: chrX-153590885-G-C.
Other names: c.2466C>G, p.Ile822Met (NM_001456.4); short protein forms I822M.
Identifiers: ClinVar variation 2630841 (VCV002630841.1), dbSNP rs878854461, ClinGen allele CA415236598.